The following is an entry in ClinVar:

ClinVar aggregate classification (germline): Pathogenic. Review status: criteria provided, single submitter (1 of 4 stars). 2 submissions from 2 submitters: Pathogenic (1). 1 of the submissions does not count toward it. Last evaluated 2022-08-16.

Conditions:
Ornithine carbamoyltransferase deficiency (OTCD). Also called: ORNITHINE TRANSCARBAMYLASE DEFICIENCY, HYPERAMMONEMIA DUE TO; ORNITHINE TRANSCARBAMYLASE DEFICIENCY; OTC DEFICIENCY; Ornithine Carbamoyltransferase Deficiency Disease. Identifiers: Orphanet 664, MedGen C0268542, MONDO:0010703, OMIM 311250.

Submissions (2):

Labcorp Genetics (formerly Invitae), Labcorp
Classification: Pathogenic for Ornithine carbamoyltransferase deficiency. Last evaluated: 2022-08-16. Review status: criteria provided, single submitter. Criteria: Invitae Variant Classification Sherloc (09022015). Collection method: clinical testing. Allele origin: germline.
Comment: This missense change has been observed in individuals with clinical features of ornithine transcarbamylase deficiency (PMID: 10946359, 33272297; Invitae). This variant is not present in population databases (gnomAD no frequency). This sequence change replaces valine, which is neutral and non-polar, with glycine, which is neutral and non-polar, at codon 315 of the OTC protein (p.Val315Gly). ClinVar contains an entry for this variant (Variation ID: 97367). For these reasons, this variant has been classified as Pathogenic. This variant disrupts the p.Val315 amino acid residue in OTC. Other variant(s) that disrupt this residue have been determined to be pathogenic (PMID: 10946359; Invitae). This suggests that this residue is clinically significant, and that variants that disrupt this residue are likely to be disease-causing. Advanced modeling of protein sequence and biophysical properties (such as structural, functional, and spatial information, amino acid conservation, physicochemical variation, residue mobility, and thermodynamic stability) performed at Invitae indicates that this missense variant is expected to disrupt OTC protein function.

GenMed Metabolism Lab
Classification: Pathogenic. Review status: no assertion criteria provided. Collection method: not provided. Allele origin: unknown. Not counted in ClinVar's aggregate classification.
ClinVar note: Converted during submission from pathogenic to Pathogenic.

Literature cited by the submitters: PubMed 10946359 (cited by Labcorp Genetics (formerly Invitae), Labcorp); PubMed 33272297 (cited by Labcorp Genetics (formerly Invitae), Labcorp).

NM_000531.6(OTC):c.944T>G (p.Val315Gly)

Gene: OTC (ornithine transcarbamylase; plus strand). Cytogenetic location: Xp11.4.
Variant type: single nucleotide variant.
Coding change: c.944T>G on transcript NM_000531.6 (MANE Select); coding-DNA position 944, T replaced by G.
Protein change: p.Val315Gly; replaces valine 315 with glycine.
Molecular consequence: missense variant.
Genome position (GRCh38, 1-based): chrX:38,411,938, T>G. VCF-style: chrX-38411938-T-G. GRCh37 (hg19) VCF-style: chrX-38271191-T-G.
Other names: short protein forms V315G.
Identifiers: ClinVar variation 97367 (VCV000097367.8), dbSNP rs67414444, ClinGen allele CA224850.
Genomic context (GRCh38, chrX:38,411,938, plus strand): 5'-CCTCTGACTGGACATTTTTACACTGCTTGCCCAGAAAGCCAGAAGAAGTGGATGATGAAG[T>G]CTTTTATTCTCCTCGATCACTAGTGTTCCCAGAGGCAGAAAACAGAAAGTGGACAATCAT-3'
Protein context (NP_000522.3, residues 305-325): PRKPEEVDDE[Val315Gly]FYSPRSLVFP